The following is an entry in ClinVar:

NM_006231.4(POLE):c.6275G>T (p.Gly2092Val)

Gene: POLE (DNA polymerase epsilon, catalytic subunit; minus strand). Cytogenetic location: 12q24.33.
Variant type: single nucleotide variant.
Coding change: c.6275G>T on transcript NM_006231.4 (MANE Select); coding-DNA position 6275, G replaced by T.
Protein change: p.Gly2092Val; replaces glycine 2092 with valine.
Molecular consequence: missense variant.
Genome position (GRCh38, 1-based): chr12:132,632,370, C>A on the plus strand (G>T on the coding strand, the complement: POLE is on the minus strand). VCF-style: chr12-132632370-C-A. GRCh37 (hg19) VCF-style: chr12-133208956-C-A.
Other names: short protein forms G2092V.
Identifiers: ClinVar variation 1522915 (VCV001522915.8), dbSNP rs1487447963, ClinGen allele CA387369428.

ClinVar aggregate classification (germline): Uncertain significance (1 of 4 stars; one submission).

gnomAD v4.1: 2 of 1,614,188 alleles (0.00012%); highest among the groups gnomAD compares: South Asian, 0.0011%; no homozygotes.

Submission:

Labcorp Genetics (formerly Invitae), Labcorp
Classification: Uncertain significance. Last evaluated: 2024-04-15. Review status: criteria provided, single submitter. Criteria: Invitae Variant Classification Sherloc (09022015). Collection method: clinical testing. Allele origin: germline.
Comment: This sequence change replaces glycine, which is neutral and non-polar, with valine, which is neutral and non-polar, at codon 2092 of the POLE protein (p.Gly2092Val). This variant is not present in population databases (gnomAD no frequency). This variant has not been reported in the literature in individuals affected with POLE-related conditions. ClinVar contains an entry for this variant (Variation ID: 1522915). Advanced modeling of protein sequence and biophysical properties (such as structural, functional, and spatial information, amino acid conservation, physicochemical variation, residue mobility, and thermodynamic stability) performed at Invitae indicates that this missense variant is not expected to disrupt POLE protein function with a negative predictive value of 80%. In summary, the available evidence is currently insufficient to determine the role of this variant in disease. Therefore, it has been classified as a Variant of Uncertain Significance.